The following is an entry in ClinVar:

ClinVar aggregate classification (germline): Uncertain significance (1 of 4 stars; one submission).

Conditions:
Inborn genetic diseases. Identifiers: MedGen C0950123, MeSH D030342.

Submission:

Ambry Genetics
Classification: Uncertain significance for Inborn genetic diseases. Last evaluated: 2025-05-09. Review status: criteria provided, single submitter. Criteria: Ambry Variant Classification Scheme 2023. Collection method: clinical testing. Allele origin: germline.
Comment: The p.N1054T variant (also known as c.3161A>C), located in coding exon 24 of the ANKRD26 gene, results from an A to C substitution at nucleotide position 3161. The asparagine at codon 1054 is replaced by threonine, an amino acid with similar properties. This amino acid position is conserved. In addition, this alteration is predicted to be tolerated by in silico analysis. Based on the available evidence, the clinical significance of this variant remains unclear.

NM_014915.3(ANKRD26):c.3161A>C (p.Asn1054Thr)

Gene: ANKRD26 (ankyrin repeat domain containing 26; minus strand). Cytogenetic location: 10p12.1.
Variant type: single nucleotide variant.
Coding change: c.3161A>C on transcript NM_014915.3 (MANE Select); coding-DNA position 3161, A replaced by C.
Protein change: p.Asn1054Thr; replaces asparagine 1054 with threonine.
Molecular consequence: missense variant.
Genome position (GRCh38, 1-based): chr10:27,035,289, T>G on the plus strand (A>C on the coding strand, the complement: ANKRD26 is on the minus strand). VCF-style: chr10-27035289-T-G. GRCh37 (hg19) VCF-style: chr10-27324218-T-G.
Other names: c.3158A>C, p.Asn1053Thr (NM_001256053.2); short protein forms N1053T, N1054T.
Identifiers: ClinVar variation 3914333 (VCV003914333.1).